The following is an entry in ClinVar:

ClinVar aggregate classification (germline): Likely benign. Review status: criteria provided, multiple submitters, no conflicts (2 of 4 stars). 2 submissions from 2 submitters: Likely benign (2). Last evaluated 2023-12-30.

gnomAD v4.1: 6 of 1,560,224 alleles (0.00038%); highest among the groups gnomAD compares: East Asian, 0.0045%; no homozygotes.

Submissions (2):

Labcorp Genetics (formerly Invitae), Labcorp
Classification: Likely benign. Last evaluated: 2023-12-30. Review status: criteria provided, single submitter. Criteria: Invitae Variant Classification Sherloc (09022015). Collection method: clinical testing. Allele origin: germline.

GeneDx
Classification: Likely benign. Last evaluated: 2017-07-10. Review status: criteria provided, single submitter. Criteria: GeneDx Variant Classification (06012015). Collection method: clinical testing. Allele origin: germline. Affected: yes.
Comment: This variant is considered likely benign or benign based on one or more of the following criteria: it is a conservative change, it occurs at a poorly conserved position in the protein, it is predicted to be benign by multiple in silico algorithms, and/or has population frequency not consistent with disease.

NM_003640.5(ELP1):c.3460+13G>T

Gene: ELP1 (elongator acetyltransferase complex subunit 1; minus strand). Cytogenetic location: 9q31.3.
Variant type: single nucleotide variant.
Coding change: c.3460+13G>T on transcript NM_003640.5 (MANE Select); 13 bases into the intron after coding-DNA position 3460, G replaced by T.
Molecular consequence: intron variant.
Genome position (GRCh38, 1-based): chr9:108,880,039, C>A on the plus strand (G>T on the coding strand, the complement: ELP1 is on the minus strand). VCF-style: chr9-108880039-C-A. GRCh37 (hg19) VCF-style: chr9-111642319-C-A.
Other names: c.3460+13G>T (LRG_251t1); c.3118+13G>T (NM_001318360.2); c.2413+13G>T (NM_001330749.2).
Identifiers: ClinVar variation 510808 (VCV000510808.5), dbSNP rs149897637, ClinGen allele CA197520768.